The following is an entry in ClinVar:

NM_002439.5(MSH3):c.3146T>C (p.Val1049Ala)

Gene: MSH3 (mutS homolog 3; plus strand). Cytogenetic location: 5q14.1.
Variant type: single nucleotide variant.
Coding change: c.3146T>C on transcript NM_002439.5 (MANE Select); coding-DNA position 3146, T replaced by C.
Protein change: p.Val1049Ala; replaces valine 1049 with alanine.
Molecular consequence: missense variant.
Genome position (GRCh38, 1-based): chr5:80,873,131, T>C. VCF-style: chr5-80873131-T-C. GRCh37 (hg19) VCF-style: chr5-80168950-T-C.
Other names: c.3146T>C (NM_002439.3); short protein forms V1049A.
Identifiers: ClinVar variation 1052815 (VCV001052815.11), dbSNP rs2112128596, ClinGen allele CA360346816.

ClinVar aggregate classification (germline): Uncertain significance. Review status: criteria provided, multiple submitters, no conflicts (2 of 4 stars). 3 submissions from 3 submitters: Uncertain significance (3). Last evaluated 2026-06-23.

Conditions:
Hereditary cancer-predisposing syndrome. Also called: Tumor predisposition; Hereditary Cancer Syndrome; Hereditary neoplastic syndrome; Neoplastic Syndromes, Hereditary. Identifiers: Orphanet 140162, MedGen C0027672, MeSH D009386, MONDO:0015356.
Endometrial carcinoma. Also called: Endometrial carcinoma, somatic. Identifiers: MedGen C0476089, MONDO:0002447, OMIM 608089, HP:0012114.

Submissions (3):

Ambry Genetics
Classification: Uncertain significance for Hereditary cancer-predisposing syndrome. Last evaluated: 2026-06-23. Review status: criteria provided, single submitter. Criteria: Ambry Variant Classification Scheme 2023. Collection method: clinical testing. Allele origin: germline.
Comment: The p.V1049A variant (also known as c.3146T>C), located in coding exon 23 of the MSH3 gene, results from a T to C substitution at nucleotide position 3146. The valine at codon 1049 is replaced by alanine, an amino acid with similar properties. This amino acid position is conserved. In addition, this alteration is predicted to be tolerated by in silico analysis. Based on the available evidence, the clinical significance of this variant remains unclear.

Baylor Genetics
Classification: Uncertain significance for Endometrial carcinoma. Last evaluated: 2024-02-27. Review status: criteria provided, single submitter. Criteria: ACMG Guidelines, 2015. Collection method: clinical testing. Allele origin: unknown.

Labcorp Genetics (formerly Invitae), Labcorp
Classification: Uncertain significance. Last evaluated: 2020-07-27. Review status: criteria provided, single submitter. Criteria: Invitae Variant Classification Sherloc (09022015). Collection method: clinical testing. Allele origin: germline.
Comment: This sequence change replaces valine with alanine at codon 1049 of the MSH3 protein (p.Val1049Ala). The valine residue is weakly conserved and there is a small physicochemical difference between valine and alanine. This variant is not present in population databases (ExAC no frequency). This variant has not been reported in the literature in individuals with MSH3-related conditions. Algorithms developed to predict the effect of missense changes on protein structure and function output the following: SIFT: "Tolerated"; PolyPhen-2: "Benign"; Align-GVGD: "Class C0". The alanine amino acid residue is found in multiple mammalian species, suggesting that this missense change does not adversely affect protein function. These predictions have not been confirmed by published functional studies and their clinical significance is uncertain. In summary, the available evidence is currently insufficient to determine the role of this variant in disease. Therefore, it has been classified as a Variant of Uncertain Significance.